The following is an entry in ClinVar:

NM_005585.5(SMAD6):c.1195G>T (p.Gly399Cys)

Gene: SMAD6 (SMAD family member 6; plus strand). Cytogenetic location: 15q22.31.
Variant type: single nucleotide variant.
Coding change: c.1195G>T on transcript NM_005585.5 (MANE Select); coding-DNA position 1195, G replaced by T.
Protein change: p.Gly399Cys; replaces glycine 399 with cysteine.
Molecular consequence: missense variant. On other transcripts: non-coding transcript variant (1).
Genome position (GRCh38, 1-based): chr15:66,781,239, G>T. VCF-style: chr15-66781239-G-T. GRCh37 (hg19) VCF-style: chr15-67073577-G-T.
Other names: short protein forms G399C.
Identifiers: ClinVar variation 2869232 (VCV002869232.3), dbSNP rs1203335291, ClinGen allele CA393202063.

ClinVar aggregate classification (germline): Uncertain significance (1 of 4 stars; one submission).

Conditions:
Aortic valve disease 2 (AOVD2). Identifiers: MedGen C3542024, MONDO:0013902, OMIM 614823.

Submission:

Labcorp Genetics (formerly Invitae), Labcorp
Classification: Uncertain significance for Aortic valve disease 2. Last evaluated: 2023-12-14. Review status: criteria provided, single submitter. Criteria: Invitae Variant Classification Sherloc (09022015). Collection method: clinical testing. Allele origin: germline.
Comment: This sequence change replaces glycine, which is neutral and non-polar, with cysteine, which is neutral and slightly polar, at codon 399 of the SMAD6 protein (p.Gly399Cys). This variant is not present in population databases (gnomAD no frequency). This variant has not been reported in the literature in individuals affected with SMAD6-related conditions. Advanced modeling of protein sequence and biophysical properties (such as structural, functional, and spatial information, amino acid conservation, physicochemical variation, residue mobility, and thermodynamic stability) has been performed at Invitae for this missense variant, however the output from this modeling did not meet the statistical confidence thresholds required to predict the impact of this variant on SMAD6 protein function. In summary, the available evidence is currently insufficient to determine the role of this variant in disease. Therefore, it has been classified as a Variant of Uncertain Significance.